The following is an entry in ClinVar:

ClinVar aggregate classification (germline): Uncertain significance (1 of 4 stars; one submission).

Conditions:
DNAH1-related disorder. Also called: DNAH1-related condition.

Submission:

PreventionGenetics, part of Exact Sciences
Classification: Uncertain significance for DNAH1-related condition. Last evaluated: 2025-10-13. Review status: criteria provided, single submitter. Criteria: ACMG Guidelines, 2015. Collection method: clinical testing. Allele origin: germline.
Comment: The DNAH1 c.872-255_872-254delinsTT variant is predicted to result in an in-frame deletion and insertion. This variant is predicted to alter splicing based on available splicing prediction programs (SpliceAI, Jaganathan et al. 2019. PubMed ID: 30661751). However, the use of computer prediction programs is not equivalent to functional evidence. To our knowledge, this variant has not been reported in the literature or in a large population database (gnomAD), indicating this variant is rare. At this time, the clinical significance of this variant is uncertain due to the absence of conclusive functional and genetic evidence.

NM_015512.5(DNAH1):c.872-255_872-254delinsTT

Gene: DNAH1 (dynein axonemal heavy chain 1; plus strand). Cytogenetic location: 3p21.1.
Variant type: Indel.
Coding change: c.872-255_872-254delinsTT on transcript NM_015512.5 (MANE Select); 255 bases into the intron before coding-DNA position 872 through 254 bases into the intron before coding-DNA position 872, GG replaced by TT.
Molecular consequence: intron variant.
Genome position (GRCh38, 1-based): chr3:52,330,893-52,330,894, GG replaced by TT. VCF-style: chr3-52330893-GG-TT. GRCh37 (hg19) VCF-style: chr3-52364909-GG-TT.
Identifiers: ClinVar variation 4996081 (VCV004996081.1).